The following is an entry in ClinVar:

NM_000080.4(CHRNE):c.197_198dup (p.Glu67fs)

Genes: CHRNE (cholinergic receptor nicotinic epsilon subunit; minus strand), C17orf107 (chromosome 17 open reading frame 107; plus strand). Cytogenetic location: 17p13.2.
Variant type: Duplication.
Coding change: c.197_198dup on transcript NM_000080.4 (MANE Select); coding-DNA positions 197 to 198, 2 bases duplicated (AA; older notation c.197_198dupAA).
Protein change: p.Glu67fs; shifts the reading frame from glutamic acid 67.
Molecular consequence: frameshift variant. On other transcripts: 3 prime UTR variant (1).
Genome position (GRCh38, 1-based): chr17:4,902,486-4,902,487, TT duplicated on the plus strand (AA on the coding strand, the reverse complement: CHRNE is on the minus strand); duplicating any 2 consecutive bases within chr17:4,902,486-4,902,490 gives the same sequence; the c. name uses the placement nearest the transcript's 3' end. VCF-style (leftmost placement, unchanged base first): chr17-4902485-C-CTT. GRCh37 (hg19) VCF-style: chr17-4805780-C-CTT.
Other names: c.*1956_*1957dup (NM_001145536.2); short protein forms E67fs.
Identifiers: ClinVar variation 4292431 (VCV004292431.1).

ClinVar aggregate classification (germline): Likely pathogenic (1 of 4 stars; one submission).

Conditions:
Congenital myasthenic syndrome 4C (CMS4C). Also called: Myasthenic syndrome, congenital, associated with acetylcholine receptor deficiency. Identifiers: Orphanet 590, MedGen C1837091, MONDO:0012157, OMIM 608931.

Submission:

3billion
Classification: Likely pathogenic for Congenital myasthenic syndrome 4C. Last evaluated: 2024-10-27. Review status: criteria provided, single submitter. Criteria: ACMG Guidelines, 2015. Collection method: clinical testing. Allele origin: germline. Affected: yes.
Comment: The variant is not observed in the gnomAD v4.1.0 dataset. Predicted Consequence/Location: Frameshift: predicted to result in a loss or disruption of normal protein function through nonsense-mediated decay (NMD) or protein truncation. Multiple pathogenic variants are reported downstream of the variant. Therefore, this variant is classified as Likely pathogenic according to the recommendation of ACMG/AMP guideline.